The following is an entry in ClinVar:

NM_001082486.2(ACD):c.196A>G (p.Ser66Gly)

Gene: ACD (ACD shelterin complex subunit and telomerase recruitment factor; minus strand). Cytogenetic location: 16q22.1.
Variant type: single nucleotide variant.
Coding change: c.196A>G on transcript NM_001082486.2 (MANE Select); coding-DNA position 196, A replaced by G.
Protein change: p.Ser66Gly; replaces serine 66 with glycine.
Molecular consequence: missense variant.
Genome position (GRCh38, 1-based): chr16:67,659,949, T>C on the plus strand (A>G on the coding strand, the complement: ACD is on the minus strand). VCF-style: chr16-67659949-T-C. GRCh37 (hg19) VCF-style: chr16-67693852-T-C.
Other names: c.196A>G, p.Ser66Gly (NM_001410884.1); c.187A>G, p.Ser63Gly (NM_022914.3); short protein forms S63G, S66G.
Identifiers: ClinVar variation 2566761 (VCV002566761.2), dbSNP rs2543610197, ClinGen allele CA396356661.

ClinVar aggregate classification (germline): Uncertain significance (1 of 4 stars; one submission).

Conditions:
Inborn genetic diseases. Identifiers: MedGen C0950123, MeSH D030342.

Allele frequency attached by ClinVar (database versions not stated): gnomAD exomes below 0.00001.
gnomAD v4.1: 1 of 1,608,302 alleles (0.000062%); highest among the groups gnomAD compares: Non-Finnish European, 0.000085%; no homozygotes.

Submission:

Ambry Genetics
Classification: Uncertain significance for Inborn genetic diseases. Last evaluated: 2023-04-25. Review status: criteria provided, single submitter. Criteria: Ambry Variant Classification Scheme 2023. Collection method: clinical testing. Allele origin: germline.
Comment: The p.S152G variant (also known as c.454A>G), located in coding exon 2 of the ACD gene, results from an A to G substitution at nucleotide position 454. The serine at codon 152 is replaced by glycine, an amino acid with similar properties. This amino acid position is conserved. In addition, this alteration is predicted to be tolerated by in silico analysis. Since supporting evidence is limited at this time, the clinical significance of this alteration remains unclear.